The following is an entry in ClinVar:

ClinVar aggregate classification (germline): Uncertain significance (1 of 4 stars; one submission).

Allele frequency attached by ClinVar (database versions not stated): gnomAD exomes below 0.00001.
gnomAD v4.1: 5 of 1,614,206 alleles (0.00031%); highest among the groups gnomAD compares: Non-Finnish European, 0.00042%; no homozygotes.

Submission:

Labcorp Genetics (formerly Invitae), Labcorp
Classification: Uncertain significance. Last evaluated: 2022-09-01. Review status: criteria provided, single submitter. Criteria: Invitae Variant Classification Sherloc (09022015). Collection method: clinical testing. Allele origin: germline.
Comment: In summary, the available evidence is currently insufficient to determine the role of this variant in disease. Therefore, it has been classified as a Variant of Uncertain Significance. Algorithms developed to predict the effect of missense changes on protein structure and function (SIFT, PolyPhen-2, Align-GVGD) all suggest that this variant is likely to be tolerated. ClinVar contains an entry for this variant (Variation ID: 1398947). This variant has not been reported in the literature in individuals affected with EXTL3-related conditions. This variant is present in population databases (no rsID available, gnomAD 0.0009%). This sequence change replaces lysine, which is basic and polar, with arginine, which is basic and polar, at codon 62 of the EXTL3 protein (p.Lys62Arg).

NM_001440.4(EXTL3):c.185A>G (p.Lys62Arg)

Gene: EXTL3 (exostosin like glycosyltransferase 3; plus strand). Cytogenetic location: 8p21.1.
Variant type: single nucleotide variant.
Coding change: c.185A>G on transcript NM_001440.4 (MANE Select); coding-DNA position 185, A replaced by G.
Protein change: p.Lys62Arg; replaces lysine 62 with arginine.
Molecular consequence: missense variant.
Genome position (GRCh38, 1-based): chr8:28,716,244, A>G. VCF-style: chr8-28716244-A-G. GRCh37 (hg19) VCF-style: chr8-28573761-A-G.
Other names: short protein forms K62R.
Identifiers: ClinVar variation 1398947 (VCV001398947.8), dbSNP rs1306594714, ClinGen allele CA370853379.